The following is an entry in ClinVar:

ClinVar aggregate classification (germline): Uncertain significance. Review status: criteria provided, multiple submitters, no conflicts (2 of 4 stars). 2 submissions from 2 submitters: Uncertain significance (2). Last evaluated 2024-05-16.

Conditions:
Hereditary cancer-predisposing syndrome. Also called: Tumor predisposition; Hereditary neoplastic syndrome; Neoplastic Syndromes, Hereditary; Hereditary Cancer Syndrome. Identifiers: Orphanet 140162, MedGen C0027672, MeSH D009386, MONDO:0015356.

Allele frequency attached by ClinVar (database versions not stated): gnomAD exomes below 0.00001.
gnomAD v4.1: 2 of 1,614,200 alleles (0.00012%); highest among the groups gnomAD compares: Non-Finnish European, 0.00017%; no homozygotes.

Submissions (2):

Ambry Genetics
Classification: Uncertain significance for Hereditary cancer-predisposing syndrome. Last evaluated: 2024-05-16. Review status: criteria provided, single submitter. Criteria: Ambry Variant Classification Scheme 2023. Collection method: clinical testing. Allele origin: germline.
Comment: The p.S686F variant (also known as c.2057C>T), located in coding exon 14 of the PTCH1 gene, results from a C to T substitution at nucleotide position 2057. The serine at codon 686 is replaced by phenylalanine, an amino acid with highly dissimilar properties. This amino acid position is conserved. In addition, this alteration is predicted to be deleterious by in silico analysis. Based on the available evidence, the clinical significance of this variant remains unclear.

GeneDx
Classification: Uncertain significance. Last evaluated: 2023-02-23. Review status: criteria provided, single submitter. Criteria: GeneDx Variant Classification Process June 2021. Collection method: clinical testing. Allele origin: germline. Affected: yes.
Comment: Not observed at significant frequency in large population cohorts (gnomAD); In silico analysis supports that this missense variant does not alter protein structure/function; Has not been previously published as pathogenic or benign to our knowledge; This variant is associated with the following publications: (PMID: 11331587, 29373258)

NM_000264.5(PTCH1):c.2057C>T (p.Ser686Phe)

Genes: PTCH1 (patched 1; minus strand), LOC100507346 (uncharacterized LOC100507346; plus strand). Cytogenetic location: 9q22.32.
Variant type: single nucleotide variant.
Coding change: c.2057C>T on transcript NM_000264.5 (MANE Select); coding-DNA position 2057, C replaced by T.
Protein change: p.Ser686Phe; replaces serine 686 with phenylalanine.
Molecular consequence: missense variant. On other transcripts: non-coding transcript variant (2).
Genome position (GRCh38, 1-based): chr9:95,468,944, G>A on the plus strand (C>T on the coding strand, the complement: PTCH1 is on the minus strand). VCF-style: chr9-95468944-G-A. GRCh37 (hg19) VCF-style: chr9-98231226-G-A.
Other names: c.1859C>T, p.Ser620Phe (NM_001083602.3); c.2054C>T, p.Ser685Phe (NM_001083603.3); c.1604C>T, p.Ser535Phe (NM_001083604.3, NM_001083605.3, NM_001083606.3 and 1 more transcripts); c.1901C>T, p.Ser634Phe (NM_001354918.2); short protein forms S535F, S620F, S634F, S685F, S686F.
Identifiers: ClinVar variation 2577636 (VCV002577636.2), dbSNP rs1373585633, ClinGen allele CA374115744.